The following is an entry in ClinVar:

ClinVar aggregate classification (germline): Uncertain significance (0 of 4 stars; one submission).

Conditions:
PLXNA2-related disorder. Also called: PLXNA2-related condition.

gnomAD v4.1: 2 of 1,607,096 alleles (0.00012%); highest among the groups gnomAD compares: Non-Finnish European, 0.00017%; no homozygotes.

Submission:

PreventionGenetics, part of Exact Sciences
Classification: Uncertain significance for PLXNA2-related condition. Last evaluated: 2024-03-06. Review status: no assertion criteria provided. Collection method: clinical testing. Allele origin: germline.
Comment: The PLXNA2 c.3153C>G variant is predicted to result in the amino acid substitution p.Ser1051Arg. To our knowledge, this variant has not been reported in the literature. This variant is reported in 0.00089% of alleles in individuals of European (Non-Finnish) descent in gnomAD. At this time, the clinical significance of this variant is uncertain due to the absence of conclusive functional and genetic evidence.

NM_025179.4(PLXNA2):c.3153C>G (p.Ser1051Arg)

Gene: PLXNA2 (plexin A2; minus strand). Cytogenetic location: 1q32.2.
Variant type: single nucleotide variant.
Coding change: c.3153C>G on transcript NM_025179.4 (MANE Select); coding-DNA position 3153, C replaced by G.
Protein change: p.Ser1051Arg; replaces serine 1051 with arginine.
Molecular consequence: missense variant.
Genome position (GRCh38, 1-based): chr1:208,051,264, G>C on the plus strand (C>G on the coding strand, the complement: PLXNA2 is on the minus strand). VCF-style: chr1-208051264-G-C. GRCh37 (hg19) VCF-style: chr1-208224609-G-C.
Other names: short protein forms S1051R.
Identifiers: ClinVar variation 3350111 (VCV003350111.1).